The following is an entry in ClinVar:

NM_006231.4(POLE):c.2173+4A>G

Gene: POLE (DNA polymerase epsilon, catalytic subunit; minus strand). Cytogenetic location: 12q24.33.
Variant type: single nucleotide variant.
Coding change: c.2173+4A>G on transcript NM_006231.4 (MANE Select); 4 bases into the intron after coding-DNA position 2173, A replaced by G.
Molecular consequence: intron variant.
Genome position (GRCh38, 1-based): chr12:132,668,352, T>C on the plus strand (A>G on the coding strand, the complement: POLE is on the minus strand). VCF-style: chr12-132668352-T-C. GRCh37 (hg19) VCF-style: chr12-133244938-T-C.
Identifiers: ClinVar variation 4141119 (VCV004141119.1).

ClinVar aggregate classification (germline): Uncertain significance (1 of 4 stars; one submission).

Conditions:
Hereditary cancer-predisposing syndrome. Also called: Hereditary neoplastic syndrome; Neoplastic Syndromes, Hereditary; Tumor predisposition; Hereditary Cancer Syndrome. Identifiers: Orphanet 140162, MedGen C0027672, MeSH D009386, MONDO:0015356.

Submission:

Ambry Genetics
Classification: Uncertain significance for Hereditary cancer-predisposing syndrome. Last evaluated: 2025-07-03. Review status: criteria provided, single submitter. Criteria: Ambry Variant Classification Scheme 2023. Collection method: clinical testing. Allele origin: germline.
Comment: The c.2173+4A>G intronic variant results from an A to G substitution 4 nucleotides after coding exon 19 in the POLE gene. This nucleotide position is well conserved in available vertebrate species. In silico splice site analysis predicts that this alteration will not have any significant effect on splicing. Based on the available evidence, the clinical significance of this variant remains unclear.